The following is an entry in ClinVar:

ClinVar aggregate classification (germline): Uncertain significance (1 of 4 stars; one submission).

Conditions:
Epidermolysis bullosa simplex 5B, with muscular dystrophy (EBS5B). Also called: Epidermolysis bullosa simplex with muscular dystrophy; EPIDERMOLYSIS BULLOSA SIMPLEX AND LIMB-GIRDLE MUSCULAR DYSTROPHY. Identifiers: Orphanet 257, MedGen C2931072, MONDO:0009181, OMIM 226670.
Epidermolysis bullosa simplex 5C, with pyloric atresia (EBS5C). Also called: Epidermolysis bullosa simplex with pyloric atresia; PLEC-Related Epidermolysis Bullosa with Pyloric Atresia; PLEC1-Related Epidermolysis Bullosa with Pyloric Atresia. Identifiers: Orphanet 158684, MedGen C2677349, MONDO:0012807, OMIM 612138.
Epidermolysis bullosa simplex, Ogna type (EBS5A). Also called: Pidermolysis bullosa simplex 5A, Ogna type; EPIDERMOLYSIS BULLOSA SIMPLEX 5A, OGNA TYPE. Identifiers: Orphanet 79401, MedGen C0432317, MONDO:0007555, OMIM 131950.
Autosomal recessive limb-girdle muscular dystrophy type 2Q (LGMDR17). Also called: MUSCULAR DYSTROPHY, LIMB-GIRDLE, AUTOSOMAL RECESSIVE 17. Identifiers: Orphanet 254361, MedGen C3150989, MONDO:0013390, OMIM 613723.
Epidermolysis bullosa simplex with nail dystrophy (EBS5D). Identifiers: MedGen C4225309, MONDO:0014661, OMIM 616487.

Allele frequency attached by ClinVar (database versions not stated): gnomAD exomes below 0.00001 and 0.00001; gnomAD 0.00001.
gnomAD v4.1: 8 of 1,545,538 alleles (0.00052%); highest among the groups gnomAD compares: African/African-American, 0.0014%; no homozygotes.

Submission:

Labcorp Genetics (formerly Invitae), Labcorp
Classification: Uncertain significance for Autosomal recessive limb-girdle muscular dystrophy type 2Q; Epidermolysis bullosa simplex, Ogna type; Epidermolysis bullosa simplex with nail dystrophy; Epidermolysis bullosa simplex 5C, with pyloric atresia; Epidermolysis bullosa simplex 5B, with muscular dystrophy. Last evaluated: 2022-02-24. Review status: criteria provided, single submitter. Criteria: Invitae Variant Classification Sherloc (09022015). Collection method: clinical testing. Allele origin: germline.
Comment: In summary, the available evidence is currently insufficient to determine the role of this variant in disease. Therefore, it has been classified as a Variant of Uncertain Significance. Algorithms developed to predict the effect of missense changes on protein structure and function are either unavailable or do not agree on the potential impact of this missense change (SIFT: "Deleterious"; PolyPhen-2: "Not Available"; Align-GVGD: "Class C65"). ClinVar contains an entry for this variant (Variation ID: 1053114). This variant has not been reported in the literature in individuals affected with PLEC-related conditions. This variant is present in population databases (no rsID available, gnomAD 0.002%). This sequence change replaces glutamic acid, which is acidic and polar, with glycine, which is neutral and non-polar, at codon 1838 of the PLEC protein (p.Glu1838Gly).

NM_201384.3(PLEC):c.5432A>G (p.Glu1811Gly)

Gene: PLEC (plectin; minus strand). Cytogenetic location: 8q24.3.
Variant type: single nucleotide variant.
Coding change: c.5432A>G on transcript NM_201384.3 (MANE Select); coding-DNA position 5432, A replaced by G.
Protein change: p.Glu1811Gly; replaces glutamic acid 1811 with glycine.
Molecular consequence: missense variant.
Genome position (GRCh38, 1-based): chr8:143,924,497, T>C on the plus strand (A>G on the coding strand, the complement: PLEC is on the minus strand). VCF-style: chr8-143924497-T-C. GRCh37 (hg19) VCF-style: chr8-144998665-T-C.
Other names: c.5513A>G, p.Glu1838Gly (NM_000445.5); c.5390A>G, p.Glu1797Gly (NM_201378.4); c.5366A>G, p.Glu1789Gly (NM_201379.3); c.5843A>G, p.Glu1948Gly (NM_201380.4); c.5336A>G, p.Glu1779Gly (NM_201381.3); c.5432A>G, p.Glu1811Gly (NM_201382.4); c.5444A>G, p.Glu1815Gly (NM_201383.3); short protein forms E1779G, E1789G, E1797G, E1811G, E1815G, E1838G, E1948G.
Identifiers: ClinVar variation 1053114 (VCV001053114.5), dbSNP rs1554697725, ClinGen allele CA372545213.